The following is an entry in ClinVar:

NM_014679.5(CEP57):c.23C>T (p.Ala8Val)

Genes: CEP57 (centrosomal protein 57; plus strand), LOC130006618 (ATAC-STARR-seq lymphoblastoid active region 5417; plus strand). Cytogenetic location: 11q21.
Variant type: single nucleotide variant.
Coding change: c.23C>T on transcript NM_014679.5 (MANE Select); coding-DNA position 23, C replaced by T.
Protein change: p.Ala8Val; replaces alanine 8 with valine.
Molecular consequence: missense variant. On other transcripts: 5 prime UTR variant (2).
Genome position (GRCh38, 1-based): chr11:95,790,721, C>T. VCF-style: chr11-95790721-C-T. GRCh37 (hg19) VCF-style: chr11-95523885-C-T.
Other names: c.-49C>T (NM_001243776.2); c.23C>T, p.Ala8Val (NM_001243777.2); c.-372C>T (NM_001363604.2); short protein forms A8V.
Identifiers: ClinVar variation 539592 (VCV000539592.13), dbSNP rs751018904, ClinGen allele CA6239299.
Genomic context (GRCh38, chr11:95,790,721, plus strand): 5'-GCCCCCGAAGTGCGGAGACCCCCTGGGCAGGCTGAAAGATGGCGGCGGCGTCTGTCTCTG[C>T]GGCTTCTGGTTCTCACTTGTCGGTAAGAAGCAGTTGGCGCGAGTGGGCCCCACGTCGGCC-3'
Protein context (NP_055494.2, residues 1-18): MAAASVS[Ala8Val]ASGSHLSNSF

ClinVar aggregate classification (germline): Uncertain significance. Review status: criteria provided, multiple submitters, no conflicts (2 of 4 stars). 2 submissions from 2 submitters: Uncertain significance (2). Last evaluated 2025-05-29.

Conditions:
Mosaic variegated aneuploidy syndrome 2 (MVA2). Identifiers: Orphanet 1052, MedGen C3279843, MONDO:0013582, OMIM 614114.

Allele frequency attached by ClinVar (database versions not stated): gnomAD 0.00002; TOPMed 0.00002; ExAC 0.00003; gnomAD exomes 0.00003.
gnomAD v4.1: 113 of 1,613,960 alleles (0.007%); highest among the groups gnomAD compares: Non-Finnish European, 0.0089%; no homozygotes.

Submissions (2):

GeneDx
Classification: Uncertain significance. Last evaluated: 2025-05-29. Review status: criteria provided, single submitter. Criteria: GeneDx Variant Classification Process June 2021. Collection method: clinical testing. Allele origin: germline. Affected: yes.
Comment: In silico analysis suggests that this missense variant does not alter protein structure/function; Has not been previously published as pathogenic or benign to our knowledge

Labcorp Genetics (formerly Invitae), Labcorp
Classification: Uncertain significance for Mosaic variegated aneuploidy syndrome 2. Last evaluated: 2025-04-28. Review status: criteria provided, single submitter. Criteria: Invitae Variant Classification Sherloc (09022015). Collection method: clinical testing. Allele origin: germline.
Comment: This sequence change replaces alanine, which is neutral and non-polar, with valine, which is neutral and non-polar, at codon 8 of the CEP57 protein (p.Ala8Val). This variant is present in population databases (rs751018904, gnomAD 0.006%). This variant has not been reported in the literature in individuals affected with CEP57-related conditions. ClinVar contains an entry for this variant (Variation ID: 539592). An algorithm developed to predict the effect of missense changes on protein structure and function outputs the following: PolyPhen-2: "Not Available". The valine amino acid residue is found in multiple mammalian species, which suggests that this missense change does not adversely affect protein function. In summary, the available evidence is currently insufficient to determine the role of this variant in disease. Therefore, it has been classified as a Variant of Uncertain Significance.